The following is an entry in ClinVar:

ClinVar aggregate classification (germline): Benign/Likely benign. Review status: criteria provided, multiple submitters, no conflicts (2 of 4 stars). 4 submissions from 4 submitters: Benign (2); Likely benign (2). Last evaluated 2025-08-18.

Allele frequency attached by ClinVar (database versions not stated): 1000 Genomes Project 0.00479; 1000 Genomes Project 30x 0.00500; gnomAD 0.00562 and 0.00585; ESP Exome Variant Server 0.00607; ExAC 0.00624; TOPMed 0.00658; gnomAD exomes 0.00671 and 0.00804.
gnomAD v4.1: 12,671 of 1,614,040 alleles (0.79%); highest among the groups gnomAD compares: Non-Finnish European, 0.84%; 86 homozygotes.

Submissions 1 to 32 of 57:

Genomic Medicine Center of Excellence, King Faisal Specialist Hospital and Research Centre
Classification: Likely benign. Last evaluated: 2025-08-18. Review status: criteria provided, single submitter. Criteria: ACMG Guidelines, 2015. Collection method: clinical testing. Allele origin: germline.

CeGaT Center for Human Genetics Tuebingen
Classification: Likely benign. Last evaluated: 2024-12-01. Review status: criteria provided, single submitter. Criteria: CeGaT Center For Human Genetics Tuebingen Variant Classification Criteria Version 2. Collection method: clinical testing. Allele origin: germline. Affected: yes. Observed: 2 variant alleles.
Comment: TFIP11: BP4, BS2

Labcorp Genetics (formerly Invitae), Labcorp
Classification: Benign. Last evaluated: 2018-07-18. Review status: criteria provided, single submitter. Criteria: Invitae Variant Classification Sherloc (09022015). Collection method: clinical testing. Allele origin: germline.

Breakthrough Genomics
Classification: Benign. Review status: criteria provided, single submitter. Criteria: ACMG Guidelines, 2015. Collection method: not provided. Allele origin: germline. Inheritance: Unknown mechanism. Affected: yes.

Dr. Peter K. Rogan Lab, Western University
No classification provided (evidence only). Condition: Clear cell carcinoma of kidney. Review status: no classification provided. Collection method: in vitro. Allele origin: not applicable. Functional consequence: retained intron. Not counted in ClinVar's aggregate classification.

Dr. Peter K. Rogan Lab, Western University
No classification provided (evidence only). Condition: Clear cell carcinoma of kidney. Review status: no classification provided. Collection method: in vitro. Allele origin: not applicable. Functional consequence: retained intron. Not counted in ClinVar's aggregate classification.

Dr. Peter K. Rogan Lab, Western University
No classification provided (evidence only). Condition: Clear cell carcinoma of kidney. Review status: no classification provided. Collection method: in vitro. Allele origin: not applicable. Functional consequence: retained intron. Not counted in ClinVar's aggregate classification.

Dr. Peter K. Rogan Lab, Western University
No classification provided (evidence only). Condition: Clear cell carcinoma of kidney. Review status: no classification provided. Collection method: in vitro. Allele origin: not applicable. Functional consequence: retained intron. Not counted in ClinVar's aggregate classification.

Dr. Peter K. Rogan Lab, Western University
No classification provided (evidence only). Condition: Clear cell carcinoma of kidney. Review status: no classification provided. Collection method: in vitro. Allele origin: not applicable. Functional consequence: retained intron. Not counted in ClinVar's aggregate classification.

Dr. Peter K. Rogan Lab, Western University
No classification provided (evidence only). Condition: Clear cell carcinoma of kidney. Review status: no classification provided. Collection method: in vitro. Allele origin: not applicable. Functional consequence: retained intron. Not counted in ClinVar's aggregate classification.

Dr. Peter K. Rogan Lab, Western University
No classification provided (evidence only). Condition: Lung cancer. Review status: no classification provided. Collection method: in vitro. Allele origin: not applicable. Functional consequence: retained intron. Not counted in ClinVar's aggregate classification.

Dr. Peter K. Rogan Lab, Western University
No classification provided (evidence only). Condition: Lung cancer. Review status: no classification provided. Collection method: in vitro. Allele origin: not applicable. Functional consequence: retained intron. Not counted in ClinVar's aggregate classification.

Dr. Peter K. Rogan Lab, Western University
No classification provided (evidence only). Condition: Lung cancer. Review status: no classification provided. Collection method: in vitro. Allele origin: not applicable. Functional consequence: retained intron. Not counted in ClinVar's aggregate classification.

Dr. Peter K. Rogan Lab, Western University
No classification provided (evidence only). Condition: Lung cancer. Review status: no classification provided. Collection method: in vitro. Allele origin: not applicable. Functional consequence: retained intron. Not counted in ClinVar's aggregate classification.

Dr. Peter K. Rogan Lab, Western University
No classification provided (evidence only). Condition: Lung cancer. Review status: no classification provided. Collection method: in vitro. Allele origin: not applicable. Functional consequence: retained intron. Not counted in ClinVar's aggregate classification.

Dr. Peter K. Rogan Lab, Western University
No classification provided (evidence only). Condition: Lung cancer. Review status: no classification provided. Collection method: in vitro. Allele origin: not applicable. Functional consequence: retained intron. Not counted in ClinVar's aggregate classification.

Dr. Peter K. Rogan Lab, Western University
No classification provided (evidence only). Condition: Lung cancer. Review status: no classification provided. Collection method: in vitro. Allele origin: not applicable. Functional consequence: retained intron. Not counted in ClinVar's aggregate classification.

Dr. Peter K. Rogan Lab, Western University
No classification provided (evidence only). Condition: Lung cancer. Review status: no classification provided. Collection method: in vitro. Allele origin: not applicable. Functional consequence: retained intron. Not counted in ClinVar's aggregate classification.

Dr. Peter K. Rogan Lab, Western University
No classification provided (evidence only). Condition: Melanoma. Review status: no classification provided. Collection method: in vitro. Allele origin: not applicable. Functional consequence: retained intron. Not counted in ClinVar's aggregate classification.

Dr. Peter K. Rogan Lab, Western University
No classification provided (evidence only). Condition: Melanoma. Review status: no classification provided. Collection method: in vitro. Allele origin: not applicable. Functional consequence: retained intron. Not counted in ClinVar's aggregate classification.

Dr. Peter K. Rogan Lab, Western University
No classification provided (evidence only). Condition: Melanoma. Review status: no classification provided. Collection method: in vitro. Allele origin: not applicable. Functional consequence: retained intron. Not counted in ClinVar's aggregate classification.

Dr. Peter K. Rogan Lab, Western University
No classification provided (evidence only). Condition: Thyroid cancer, nonmedullary, 1. Review status: no classification provided. Collection method: in vitro. Allele origin: not applicable. Functional consequence: retained intron. Not counted in ClinVar's aggregate classification.

Dr. Peter K. Rogan Lab, Western University
No classification provided (evidence only). Condition: Thyroid cancer, nonmedullary, 1. Review status: no classification provided. Collection method: in vitro. Allele origin: not applicable. Functional consequence: retained intron. Not counted in ClinVar's aggregate classification.

Dr. Peter K. Rogan Lab, Western University
No classification provided (evidence only). Condition: Thyroid cancer, nonmedullary, 1. Review status: no classification provided. Collection method: in vitro. Allele origin: not applicable. Functional consequence: retained intron. Not counted in ClinVar's aggregate classification.

Dr. Peter K. Rogan Lab, Western University
No classification provided (evidence only). Condition: Thyroid cancer, nonmedullary, 1. Review status: no classification provided. Collection method: in vitro. Allele origin: not applicable. Functional consequence: retained intron. Not counted in ClinVar's aggregate classification.

Dr. Peter K. Rogan Lab, Western University
No classification provided (evidence only). Condition: Thyroid cancer, nonmedullary, 1. Review status: no classification provided. Collection method: in vitro. Allele origin: not applicable. Functional consequence: retained intron. Not counted in ClinVar's aggregate classification.

Dr. Peter K. Rogan Lab, Western University
No classification provided (evidence only). Condition: Uterine corpus endometrial carcinoma. Review status: no classification provided. Collection method: in vitro. Allele origin: not applicable. Functional consequence: retained intron. Not counted in ClinVar's aggregate classification.

Dr. Peter K. Rogan Lab, Western University
No classification provided (evidence only). Condition: Cervical cancer. Review status: no classification provided. Collection method: in vitro. Allele origin: not applicable. Functional consequence: retained intron. Not counted in ClinVar's aggregate classification.

Dr. Peter K. Rogan Lab, Western University
No classification provided (evidence only). Condition: Cervical cancer. Review status: no classification provided. Collection method: in vitro. Allele origin: not applicable. Functional consequence: retained intron. Not counted in ClinVar's aggregate classification.

Dr. Peter K. Rogan Lab, Western University
No classification provided (evidence only). Condition: Cervical cancer. Review status: no classification provided. Collection method: in vitro. Allele origin: not applicable. Functional consequence: retained intron. Not counted in ClinVar's aggregate classification.

Dr. Peter K. Rogan Lab, Western University
No classification provided (evidence only). Condition: Cervical cancer. Review status: no classification provided. Collection method: in vitro. Allele origin: not applicable. Functional consequence: retained intron. Not counted in ClinVar's aggregate classification.

Dr. Peter K. Rogan Lab, Western University
No classification provided (evidence only). Condition: Cervical cancer. Review status: no classification provided. Collection method: in vitro. Allele origin: not applicable. Functional consequence: retained intron. Not counted in ClinVar's aggregate classification.

NM_012143.4(TFIP11):c.23G>A (p.Arg8Gln)

Gene: TFIP11 (tuftelin interacting protein 11; minus strand). Cytogenetic location: 22q12.1.
Variant type: single nucleotide variant.
Coding change: c.23G>A on transcript NM_012143.4 (MANE Select); coding-DNA position 23, G replaced by A.
Protein change: p.Arg8Gln; replaces arginine 8 with glutamine.
Molecular consequence: missense variant. On other transcripts: intron variant (1).
Genome position (GRCh38, 1-based): chr22:26,510,250, C>T on the plus strand (G>A on the coding strand, the complement: TFIP11 is on the minus strand). VCF-style: chr22-26510250-C-T. GRCh37 (hg19) VCF-style: chr22-26906216-C-T.
Other names: NC_000022.10:g.26906216C>T; c.23G>A, p.Arg8Gln (NM_001008697.3, NM_001346857.2, NM_001346858.2 and 2 more transcripts); c.116+1849G>A (NM_001346862.2); c.23G>A (NM_001008697.2); short protein forms R8Q.
Identifiers: ClinVar variation 790472 (VCV000790472.30), dbSNP rs34764403, ClinGen allele CA10164924.